The following is an entry in ClinVar:

NM_005120.3(MED12):c.272G>T (p.Arg91Leu)

Gene: MED12 (mediator complex subunit 12; plus strand). Cytogenetic location: Xq13.1.
Variant type: single nucleotide variant.
Coding change: c.272G>T on transcript NM_005120.3 (MANE Select); coding-DNA position 272, G replaced by T.
Protein change: p.Arg91Leu; replaces arginine 91 with leucine.
Molecular consequence: missense variant.
Genome position (GRCh38, 1-based): chrX:71,119,753, G>T. VCF-style: chrX-71119753-G-T. GRCh37 (hg19) VCF-style: chrX-70339603-G-T.
Other names: short protein forms R91L.
Identifiers: ClinVar variation 392410 (VCV000392410.13), dbSNP rs1057524478, ClinGen allele CA16608550.
Genomic context (GRCh38, chrX:71,119,753, plus strand): 5'-CCAACTTCAGCAGCATTATTGCAGAGAAATTACGTTGTAATACCCTTCCTGACACTGGTC[G>T]CAGGAAGCCCCAAGTGAACCAGAAGGATAACTTCTGGCTGGTGACTGCACGATCCCAGAG-3'
Protein context (NP_005111.2, residues 81-101): LRCNTLPDTG[Arg91Leu]RKPQVNQKDN

ClinVar aggregate classification (germline): Uncertain significance. Review status: criteria provided, multiple submitters, no conflicts (2 of 4 stars). 3 submissions from 3 submitters: Uncertain significance (3). Last evaluated 2023-04-20.

Conditions:
Blepharophimosis - intellectual disability syndrome, MKB type. Also called: X-Linked Ohdo Syndrome (XLOS); Ohdo syndrome, X-linked; BLEPHAROPHIMOSIS-MENTAL RETARDATION SYNDROME, MAAT-KIEVIT-BRUNNER TYPE. Identifiers: Orphanet 293707, MedGen C3698541, MONDO:0010477, OMIM 300895.
FG syndrome (FGS). Identifiers: MedGen C0220769, MONDO:0002010.

Submissions (3):

Duke University Health System Sequencing Clinic, Duke University Health System
Classification: Uncertain significance for Blepharophimosis - intellectual disability syndrome, MKB type. Last evaluated: 2023-04-20. Review status: criteria provided, single submitter. Criteria: ACMG Guidelines, 2015. Collection method: research. Allele origin: maternal. Affected: yes.

Labcorp Genetics (formerly Invitae), Labcorp
Classification: Uncertain significance for FG syndrome. Last evaluated: 2020-08-13. Review status: criteria provided, single submitter. Criteria: Invitae Variant Classification Sherloc (09022015). Collection method: clinical testing. Allele origin: germline.
Comment: In summary, the available evidence is currently insufficient to determine the role of this variant in disease. Therefore, it has been classified as a Variant of Uncertain Significance. Advanced modeling of protein sequence and biophysical properties (such as structural, functional, and spatial information, amino acid conservation, physicochemical variation, residue mobility, and thermodynamic stability) performed at Invitae indicates that this missense variant is expected to disrupt MED12 protein function. This variant has not been reported in the literature in individuals with MED12-related conditions. ClinVar contains an entry for this variant (Variation ID: 392410). This variant is not present in population databases (ExAC no frequency). This sequence change replaces arginine with leucine at codon 91 of the MED12 protein (p.Arg91Leu). The arginine residue is highly conserved and there is a moderate physicochemical difference between arginine and leucine.

GeneDx
Classification: Uncertain significance. Last evaluated: 2016-12-20. Review status: criteria provided, single submitter. Criteria: GeneDx Variant Classification (06012015). Collection method: clinical testing. Allele origin: germline. Affected: yes.
Comment: A variant of uncertain significance has been identified in the MED12 gene. The R91L variant has not been published as a pathogenic variant, nor has it been reported as a benign variant to our knowledge. This variant was not observed in approximately 6,100 individuals of European and African American ancestry in the NHLBI Exome Sequencing Project, indicating it is not a common benign variant in these populations. The R91L variant is a non-conservative amino acid substitution, which is likely to impact secondary protein structure as these residues differ in polarity, charge, size and/or other properties. This substitution occurs at a position where only amino acids with similar properties to Arginine are tolerated across species. In silico analysis predicts this variant is probably damaging to the protein structure/function. However, this variant lacks observation in a significant number of affected individuals, segregation data, and functional evidence, which would further clarify its pathogenicity. Therefore, based on the currently available information, it is unclear whether this variant is pathogenic or rare benign. This result cannot be interpreted for diagnosis or used for family member screening at this time.